The following is an entry in ClinVar:

NM_001130438.3(SPTAN1):c.6869A>G (p.His2290Arg)

Gene: SPTAN1 (spectrin alpha, non-erythrocytic 1; plus strand). Cytogenetic location: 9q34.11.
Variant type: single nucleotide variant.
Coding change: c.6869A>G on transcript NM_001130438.3 (MANE Select); coding-DNA position 6869, A replaced by G.
Protein change: p.His2290Arg; replaces histidine 2290 with arginine.
Molecular consequence: missense variant.
Genome position (GRCh38, 1-based): chr9:128,632,233, A>G. VCF-style: chr9-128632233-A-G. GRCh37 (hg19) VCF-style: chr9-131394512-A-G.
Other names: c.6794A>G, p.His2265Arg (NM_001195532.2); c.6932A>G, p.His2311Arg (NM_001363759.2); c.6809A>G, p.His2270Arg (NM_001363765.2, NM_001375314.2); c.6956A>G, p.His2319Arg (NM_001375310.1); c.6869A>G, p.His2290Arg (NM_001375311.2); c.6905A>G, p.His2302Arg (NM_001375312.2); c.6851A>G, p.His2284Arg (NM_001375313.1); c.6968A>G, p.His2323Arg (NM_001375318.1); and 1 more; short protein forms H2265R, H2270R, H2284R, H2285R, H2290R, H2302R, H2311R, H2319R.
Identifiers: ClinVar variation 1334709 (VCV001334709.4), dbSNP rs2132089221, ClinGen allele CA375098263.

ClinVar aggregate classification (germline): Uncertain significance (1 of 4 stars; one submission).

Submission:

Greenwood Genetic Center Diagnostic Laboratories, Greenwood Genetic Center
Classification: Uncertain significance. Last evaluated: 2021-12-29. Review status: criteria provided, single submitter. Criteria: ACMG Guidelines, 2015. Collection method: clinical testing. Allele origin: germline. Affected: yes.
Comment: PP2, PP3, PM2